The following is an entry in ClinVar:

ClinVar aggregate classification (germline): Uncertain significance (1 of 4 stars; one submission).

Allele frequency attached by ClinVar (database versions not stated): TOPMed 0.00001.

Submission:

Labcorp Genetics (formerly Invitae), Labcorp
Classification: Uncertain significance. Last evaluated: 2022-03-27. Review status: criteria provided, single submitter. Criteria: Invitae Variant Classification Sherloc (09022015). Collection method: clinical testing. Allele origin: germline.
Comment: This variant has not been reported in the literature in individuals affected with POLR3B-related conditions. This variant is not present in population databases (gnomAD no frequency). This sequence change replaces proline, which is neutral and non-polar, with serine, which is neutral and polar, at codon 71 of the POLR3B protein (p.Pro71Ser). Algorithms developed to predict the effect of missense changes on protein structure and function are either unavailable or do not agree on the potential impact of this missense change (SIFT: "Deleterious"; PolyPhen-2: "Benign"; Align-GVGD: "Class C65"). In summary, the available evidence is currently insufficient to determine the role of this variant in disease. Therefore, it has been classified as a Variant of Uncertain Significance.

NM_018082.6(POLR3B):c.211C>T (p.Pro71Ser)

Gene: POLR3B (RNA polymerase III subunit B; plus strand). Cytogenetic location: 12q23.3.
Variant type: single nucleotide variant.
Coding change: c.211C>T on transcript NM_018082.6 (MANE Select); coding-DNA position 211, C replaced by T.
Protein change: p.Pro71Ser; replaces proline 71 with serine.
Molecular consequence: missense variant.
Genome position (GRCh38, 1-based): chr12:106,366,706, C>T. VCF-style: chr12-106366706-C-T. GRCh37 (hg19) VCF-style: chr12-106760484-C-T.
Other names: c.37C>T, p.Pro13Ser (NM_001160708.2); short protein forms P13S, P71S.
Identifiers: ClinVar variation 2177741 (VCV002177741.4), dbSNP rs898556406, ClinGen allele CA243180877.
Genomic context (GRCh38, chr12:106,366,706, plus strand): 5'-TTTCCACTGCAGATAAAGAAGATAATGAAAGCCAATGAAAAGGTTACAAGTGACGCTGAC[C>T]CTATGTGGTACTTAAAGTAAGGAACCAACATTCTTAATTTGCTATGTGGGTTACATCTAA-3'
Protein context (NP_060552.4, residues 61-81): ANEKVTSDAD[Pro71Ser]MWYLKYLNIY